The following is an entry in ClinVar:

NM_000037.4(ANK1):c.1896G>A (p.Ser632=)

Gene: ANK1 (ankyrin 1; minus strand). Cytogenetic location: 8p11.21.
Variant type: single nucleotide variant.
Coding change: c.1896G>A on transcript NM_000037.4 (MANE Select); coding-DNA position 1896, G replaced by A.
Protein change: p.Ser632=; no amino-acid change (serine 632 retained).
Molecular consequence: synonymous variant.
Genome position (GRCh38, 1-based): chr8:41,708,880, C>T on the plus strand (G>A on the coding strand, the complement: ANK1 is on the minus strand). VCF-style: chr8-41708880-C-T. GRCh37 (hg19) VCF-style: chr8-41566398-C-T.
Other names: p.Ser632=; c.1995G>A, p.Ser665= (NM_001142446.2); c.1896G>A, p.Ser632= (NM_020475.3, NM_020476.3, NM_020477.3); c.1896G>A (NM_020476.2).
Identifiers: ClinVar variation 786118 (VCV000786118.11), dbSNP rs140050236, ClinGen allele CA4728433.

ClinVar aggregate classification (germline): Likely benign. Review status: criteria provided, multiple submitters, no conflicts (2 of 4 stars). 3 submissions from 3 submitters: Likely benign (2). 1 of the submissions does not count toward it. Last evaluated 2025-08-26.

Conditions:
ANK1-related disorder. Also called: ANK1-related condition.

Allele frequency attached by ClinVar (database versions not stated): 1000 Genomes Project 0.00020; gnomAD 0.00092 and 0.00101; ESP Exome Variant Server 0.00115; TOPMed 0.00099; gnomAD exomes 0.00008 and 0.00017; 1000 Genomes Project 30x 0.00016; ExAC 0.00023.

Submissions (3):

Mayo Clinic Laboratories, Mayo Clinic
Classification: Likely benign. Last evaluated: 2025-08-26. Review status: criteria provided, single submitter. Criteria: ACMG Guidelines, 2015. Collection method: clinical testing. Allele origin: germline. Observed: 5 variant alleles.

Labcorp Genetics (formerly Invitae), Labcorp
Classification: Likely benign. Last evaluated: 2025-06-24. Review status: criteria provided, single submitter. Criteria: Invitae Variant Classification Sherloc (09022015). Collection method: clinical testing. Allele origin: germline.

PreventionGenetics, part of Exact Sciences
Classification: Likely benign for ANK1-related condition. Last evaluated: 2019-08-13. Review status: no assertion criteria provided. Collection method: clinical testing. Allele origin: germline. Not counted in ClinVar's aggregate classification.
Comment: This variant is classified as likely benign based on ACMG/AMP sequence variant interpretation guidelines (Richards et al. 2015 PMID: 25741868, with internal and published modifications).